The following is an entry in ClinVar:

NM_006206.6(PDGFRA):c.218A>G (p.Asn73Ser)

Gene: PDGFRA (platelet derived growth factor receptor alpha; plus strand). Cytogenetic location: 4q12.
Variant type: single nucleotide variant.
Coding change: c.218A>G on transcript NM_006206.6 (MANE Select); coding-DNA position 218, A replaced by G.
Protein change: p.Asn73Ser; replaces asparagine 73 with serine.
Molecular consequence: missense variant.
Genome position (GRCh38, 1-based): chr4:54,261,263, A>G. VCF-style: chr4-54261263-A-G. GRCh37 (hg19) VCF-style: chr4-55127430-A-G.
Other names: c.218A>G, p.Asn73Ser (NM_001347827.2, NM_001347829.2); c.293A>G, p.Asn98Ser (NM_001347828.2); c.257A>G, p.Asn86Ser (NM_001347830.2); short protein forms N73S, N98S, N86S.
Identifiers: ClinVar variation 2956458 (VCV002956458.3), dbSNP rs2475422465, ClinGen allele CA356888516.

ClinVar aggregate classification (germline): Uncertain significance (1 of 4 stars; one submission).

Conditions:
Gastrointestinal stromal tumor. Also called: Gastrointestinal stromal tumor, somatic; Gastrointestinal stroma tumor. Identifiers: Orphanet 44890, MedGen C0238198, MeSH D046152, MONDO:0011719, OMIM 606764, HP:0100723.

gnomAD v4.1: 1 of 1,614,198 alleles (0.000062%); no homozygotes.

Submission:

Labcorp Genetics (formerly Invitae), Labcorp
Classification: Uncertain significance for Gastrointestinal stromal tumor. Last evaluated: 2022-12-10. Review status: criteria provided, single submitter. Criteria: Invitae Variant Classification Sherloc (09022015). Collection method: clinical testing. Allele origin: germline.
Comment: This sequence change replaces asparagine, which is neutral and polar, with serine, which is neutral and polar, at codon 73 of the PDGFRA protein (p.Asn73Ser). This variant is not present in population databases (gnomAD no frequency). This variant has not been reported in the literature in individuals affected with PDGFRA-related conditions. Algorithms developed to predict the effect of missense changes on protein structure and function output the following: SIFT: "Tolerated"; PolyPhen-2: "Benign"; Align-GVGD: "Class C0". The serine amino acid residue is found in multiple mammalian species, which suggests that this missense change does not adversely affect protein function. In summary, the available evidence is currently insufficient to determine the role of this variant in disease. Therefore, it has been classified as a Variant of Uncertain Significance.